The following is an entry in ClinVar:

ClinVar aggregate classification (germline): Uncertain significance. Review status: criteria provided, multiple submitters, no conflicts (2 of 4 stars). 2 submissions from 2 submitters: Uncertain significance (2). Last evaluated 2026-03-01.

Submissions (2):

CeGaT Center for Human Genetics Tuebingen
Classification: Uncertain significance. Last evaluated: 2026-03-01. Review status: criteria provided, single submitter. Criteria: CeGaT Center For Human Genetics Tuebingen Variant Classification Criteria Version 2. Collection method: clinical testing. Allele origin: germline. Affected: yes. Observed: 1 variant allele.
Comment: MAGEL2: PM2, BP4

GeneDx
Classification: Uncertain significance. Last evaluated: 2017-07-31. Review status: criteria provided, single submitter. Criteria: GeneDx Variant Classification (06012015). Collection method: clinical testing. Allele origin: germline. Affected: yes.
Comment: The V834A variant in the MAGEL2 gene has not been reported previously as a pathogenic variant, nor as a benign variant, to our knowledge. The V834A variant is not observed in large population cohorts (Lek et al., 2016; 1000 Genomes Consortium et al., 2015; Exome Variant Server). The V834A variant is a conservative amino acid substitution, which is not likely to impact secondary protein structure as these residues share similar properties. This substitution occurs at a position that is not conserved. In silico analysis predicts this variant likely does not alter the protein structure/function. We interpret V834A as a variant of uncertain significance.

NM_019066.5(MAGEL2):c.2501T>C (p.Val834Ala)

Gene: MAGEL2 (MAGE family member L2; minus strand). Cytogenetic location: 15q11.2.
Variant type: single nucleotide variant.
Coding change: c.2501T>C on transcript NM_019066.5 (MANE Select); coding-DNA position 2501, T replaced by C.
Protein change: p.Val834Ala; replaces valine 834 with alanine.
Molecular consequence: missense variant.
Genome position (GRCh38, 1-based): chr15:23,645,242, A>G on the plus strand (T>C on the coding strand, the complement: MAGEL2 is on the minus strand). VCF-style: chr15-23645242-A-G. GRCh37 (hg19) VCF-style: chr15-23890389-A-G.
Other names: short protein forms V834A.
Identifiers: ClinVar variation 450914 (VCV000450914.6), dbSNP rs1555374181, ClinGen allele CA391331140.